The following is an entry in ClinVar:

NM_002439.5(MSH3):c.2029G>A (p.Glu677Lys)

Gene: MSH3 (mutS homolog 3; plus strand). Cytogenetic location: 5q14.1.
Variant type: single nucleotide variant.
Coding change: c.2029G>A on transcript NM_002439.5 (MANE Select); coding-DNA position 2029, G replaced by A.
Protein change: p.Glu677Lys; replaces glutamic acid 677 with lysine.
Molecular consequence: missense variant.
Genome position (GRCh38, 1-based): chr5:80,768,065, G>A. VCF-style: chr5-80768065-G-A. GRCh37 (hg19) VCF-style: chr5-80063884-G-A.
Other names: short protein forms E677K.
Identifiers: ClinVar variation 5024773 (VCV005024773.1).

ClinVar aggregate classification (germline): Uncertain significance (1 of 4 stars; one submission).

Conditions:
Hereditary cancer-predisposing syndrome. Also called: Neoplastic Syndromes, Hereditary; Tumor predisposition; Hereditary neoplastic syndrome; Hereditary Cancer Syndrome. Identifiers: Orphanet 140162, MedGen C0027672, MeSH D009386, MONDO:0015356.

Submission:

Ambry Genetics
Classification: Uncertain significance for Hereditary cancer-predisposing syndrome. Last evaluated: 2026-07-06. Review status: criteria provided, single submitter. Criteria: Ambry Variant Classification Scheme 2023. Collection method: clinical testing. Allele origin: germline.
Comment: The p.E677K variant (also known as c.2029G>A), located in coding exon 14 of the MSH3 gene, results from a G to A substitution at nucleotide position 2029. The glutamic acid at codon 677 is replaced by lysine, an amino acid with similar properties. This amino acid position is conserved. In addition, this alteration is predicted to be tolerated by in silico analysis. Based on the available evidence, the clinical significance of this variant remains unclear.